The following is an entry in ClinVar:

ClinVar aggregate classification (germline): Conflicting classifications of pathogenicity. Review status: criteria provided, conflicting classifications (1 of 4 stars). 5 submissions from 5 submitters: Uncertain significance (2); Likely benign (2). 1 of the submissions does not count toward it. Last evaluated 2025-09-22.

Conditions:
Inborn genetic diseases. Identifiers: MedGen C0950123, MeSH D030342.
Hemochromatosis type 4 (HFE4). Also called: Ferroportin disease; HEMOCHROMATOSIS DUE TO DEFECT IN FERROPORTIN; HEMOCHROMATOSIS, AUTOSOMAL DOMINANT. Identifiers: Orphanet 139491, Orphanet 647834, Orphanet 648562, MedGen C1853733, MONDO:0011631, OMIM 606069.

Allele frequency attached by ClinVar (database versions not stated): ExAC 0.00005; gnomAD exomes 0.00002; TOPMed 0.00003; ESP Exome Variant Server 0.00015.
gnomAD v4.1: 96 of 1,614,066 alleles (0.0059%); highest among the groups gnomAD compares: Non-Finnish European, 0.0077%; no homozygotes.

Submissions (5):

Labcorp Genetics (formerly Invitae), Labcorp
Classification: Uncertain significance for Hemochromatosis type 4. Last evaluated: 2025-09-22. Review status: criteria provided, single submitter. Criteria: Invitae Variant Classification Sherloc (09022015). Collection method: clinical testing. Allele origin: germline.
Comment: This sequence change replaces isoleucine, which is neutral and non-polar, with phenylalanine, which is neutral and non-polar, at codon 453 of the SLC40A1 protein (p.Ile453Phe). This variant is present in population databases (rs376571265, gnomAD 0.008%). This variant has not been reported in the literature in individuals affected with SLC40A1-related conditions. ClinVar contains an entry for this variant (Variation ID: 898324). Invitae Evidence Modeling of protein sequence and biophysical properties (such as structural, functional, and spatial information, amino acid conservation, physicochemical variation, residue mobility, and thermodynamic stability) has been performed for this missense variant. However, the output from this modeling did not meet the statistical confidence thresholds required to predict the impact of this variant on SLC40A1 protein function. In summary, the available evidence is currently insufficient to determine the role of this variant in disease. Therefore, it has been classified as a Variant of Uncertain Significance.

Laboratory of Genetics, Children's Clinical University Hospital Latvia
Classification: Likely benign. Last evaluated: 2025-02-16. Review status: criteria provided, single submitter. Criteria: ACMG Guidelines, 2015. Collection method: clinical testing. Allele origin: germline. Affected: yes.

Ambry Genetics
Classification: Uncertain significance for Inborn genetic diseases. Last evaluated: 2024-10-11. Review status: criteria provided, single submitter. Criteria: Ambry Variant Classification Scheme 2023. Collection method: clinical testing. Allele origin: germline.

Illumina Laboratory Services, Illumina
Classification: Likely benign for Hemochromatosis type 4. Last evaluated: 2018-01-13. Review status: criteria provided, single submitter. Criteria: ICSL Variant Classification Criteria 13 December 2019. Collection method: clinical testing. Allele origin: germline.
Comment: This variant was observed in the ICSL laboratory as part of a predisposition screen in an ostensibly healthy population. It had not been previously curated by ICSL or reported in the Human Gene Mutation Database (HGMD: prior to June 1st, 2018), and was therefore a candidate for classification through an automated scoring system. Utilizing variant allele frequency, disease prevalence and penetrance estimates, and inheritance mode, an automated score was calculated to assess if this variant is too frequent to cause the disease. Based on the score and internal cut-off values, a variant classified as likely benign is not then subjected to further curation. The score for this variant resulted in a classification of likely benign for this disease.

Department of Pathology and Laboratory Medicine, Sinai Health System
Classification: Uncertain significance. Review status: no assertion criteria provided. Collection method: clinical testing. Allele origin: unknown. Affected: yes. Study: The Canadian Open Genetics Repository (COGR). Not counted in ClinVar's aggregate classification.
Comment: The SLC40A1 p.Ile453Phe variant was not identified in the literature nor was it identified in ClinVar or LOVD 3.0. The variant was identified in dbSNP (ID: rs376571265) and in control databases in 10 of 282744 chromosomes at a frequency of 0.00003537 (Genome Aggregation Database March 6, 2019, v2.1.1). The variant was observed in the European (non-Finnish) population in 10 of 129100 chromosomes (freq: 0.000077), but was not observed in the African, Latino, Ashkenazi Jewish, East Asian, European (Finnish), Other, or South Asian populations. The p.Ile453 residue is not conserved in mammals and four out of five computational analyses (PolyPhen-2, SIFT, AlignGVGD, BLOSUM, MutationTaster) do not suggest a high likelihood of impact to the protein; however, this information is not predictive enough to rule out pathogenicity. The variant occurs outside of the splicing consensus sequence and 2 of 4 in silico or computational prediction software programs (SpliceSiteFinder, MaxEntScan, NNSPLICE, GeneSplicer) predict a greater than 10% difference in splicing; this is not very predictive of pathogenicity. In summary, based on the above information the clinical significance of this variant cannot be determined with certainty at this time. This variant is classified as a variant of uncertain significance.

NM_014585.6(SLC40A1):c.1357A>T (p.Ile453Phe)

Gene: SLC40A1 (solute carrier family 40 member 1; minus strand). Cytogenetic location: 2q32.2.
Variant type: single nucleotide variant.
Coding change: c.1357A>T on transcript NM_014585.6 (MANE Select); coding-DNA position 1357, A replaced by T.
Protein change: p.Ile453Phe; replaces isoleucine 453 with phenylalanine.
Molecular consequence: missense variant.
Genome position (GRCh38, 1-based): chr2:189,563,629, T>A on the plus strand (A>T on the coding strand, the complement: SLC40A1 is on the minus strand). VCF-style: chr2-189563629-T-A. GRCh37 (hg19) VCF-style: chr2-190428355-T-A.
Other names: short protein forms I453F.
Identifiers: ClinVar variation 898324 (VCV000898324.9), dbSNP rs376571265, ClinGen allele CA2024076.